The following is an entry in ClinVar:

ClinVar aggregate classification (germline): Uncertain significance (1 of 4 stars; one submission).

Conditions:
Inborn genetic diseases. Identifiers: MedGen C0950123, MeSH D030342.

gnomAD v4.1: 1 of 1,614,110 alleles (0.000062%); highest among the groups gnomAD compares: Non-Finnish European, 0.000085%; no homozygotes.

Submission:

Ambry Genetics
Classification: Uncertain significance for Inborn genetic diseases. Last evaluated: 2025-11-25. Review status: criteria provided, single submitter. Criteria: Ambry Variant Classification Scheme 2023. Collection method: clinical testing. Allele origin: germline.
Comment: The p.N1115Y variant (also known as c.3343A>T), located in coding exon 14 of the FANCM gene, results from an A to T substitution at nucleotide position 3343. The asparagine at codon 1115 is replaced by tyrosine, an amino acid with dissimilar properties. This amino acid position is conserved. In addition, this alteration is predicted to be tolerated by in silico analysis. Based on the available evidence, the clinical significance of this variant remains unclear.

NM_020937.4(FANCM):c.3343A>T (p.Asn1115Tyr)

Gene: FANCM (FA complementation group M; plus strand). Cytogenetic location: 14q21.2.
Variant type: single nucleotide variant.
Coding change: c.3343A>T on transcript NM_020937.4 (MANE Select); coding-DNA position 3343, A replaced by T.
Protein change: p.Asn1115Tyr; replaces asparagine 1115 with tyrosine.
Molecular consequence: missense variant.
Genome position (GRCh38, 1-based): chr14:45,176,097, A>T. VCF-style: chr14-45176097-A-T. GRCh37 (hg19) VCF-style: chr14-45645300-A-T.
Other names: c.3265A>T, p.Asn1089Tyr (NM_001308133.2); short protein forms N1089Y, N1115Y.
Identifiers: ClinVar variation 4619606 (VCV004619606.1).